The following is an entry in ClinVar:

ClinVar aggregate classification (germline): Uncertain significance. Review status: criteria provided, multiple submitters, no conflicts (2 of 4 stars). 2 submissions from 2 submitters: Uncertain significance (2). Last evaluated 2024-12-20.

Conditions:
Inborn genetic diseases. Identifiers: MedGen C0950123, MeSH D030342.

Allele frequency attached by ClinVar (database versions not stated): gnomAD 0.00001; TOPMed 0.00001.
gnomAD v4.1: 4 of 1,613,910 alleles (0.00025%); highest among the groups gnomAD compares: Non-Finnish European, 0.00034%; no homozygotes.

Submissions (2):

Ambry Genetics
Classification: Uncertain significance for Inborn genetic diseases. Last evaluated: 2024-12-20. Review status: criteria provided, single submitter. Criteria: Ambry Variant Classification Scheme 2023. Collection method: clinical testing. Allele origin: germline.
Comment: The p.D951G variant (also known as c.2852A>G), located in coding exon 13 of the ASXL1 gene, results from an A to G substitution at nucleotide position 2852. The aspartic acid at codon 951 is replaced by glycine, an amino acid with similar properties. This amino acid position is conserved. In addition, this alteration is predicted to be tolerated by in silico analysis. Based on the available evidence, the clinical significance of this variant remains unclear.

Labcorp Genetics (formerly Invitae), Labcorp
Classification: Uncertain significance. Last evaluated: 2022-08-09. Review status: criteria provided, single submitter. Criteria: Invitae Variant Classification Sherloc (09022015). Collection method: clinical testing. Allele origin: germline.
Comment: This sequence change replaces aspartic acid, which is acidic and polar, with glycine, which is neutral and non-polar, at codon 951 of the ASXL1 protein (p.Asp951Gly). This variant is not present in population databases (gnomAD no frequency). This variant has not been reported in the literature in individuals affected with ASXL1-related conditions. ClinVar contains an entry for this variant (Variation ID: 1436374). Algorithms developed to predict the effect of missense changes on protein structure and function output the following: SIFT: "Tolerated"; PolyPhen-2: "Benign"; Align-GVGD: "Class C0". The glycine amino acid residue is found in multiple mammalian species, which suggests that this missense change does not adversely affect protein function. In summary, the available evidence is currently insufficient to determine the role of this variant in disease. Therefore, it has been classified as a Variant of Uncertain Significance.

NM_015338.6(ASXL1):c.2852A>G (p.Asp951Gly)

Gene: ASXL1 (ASXL transcriptional regulator 1; plus strand). Cytogenetic location: 20q11.21.
Variant type: single nucleotide variant.
Coding change: c.2852A>G on transcript NM_015338.6 (MANE Select); coding-DNA position 2852, A replaced by G.
Protein change: p.Asp951Gly; replaces aspartic acid 951 with glycine.
Molecular consequence: missense variant.
Genome position (GRCh38, 1-based): chr20:32,435,564, A>G. VCF-style: chr20-32435564-A-G. GRCh37 (hg19) VCF-style: chr20-31023367-A-G.
Other names: c.2669A>G, p.Asp890Gly (NM_001363734.1); c.2852A>G (NM_015338.5); short protein forms D951G, D890G.
Identifiers: ClinVar variation 1436374 (VCV001436374.9), dbSNP rs1162142245, ClinGen allele CA408561480.
Genomic context (GRCh38, chr20:32,435,564, plus strand): 5'-AGAAAGCTGCTCCCACCCCTCCTGCATTGCCTGGGGATTTGACAGCTGAGGAGGGTCTAG[A>G]TCCTCTTGACAGCCTTACTTCACTCTGGACTGTGCCATCTCGAGGAGGCAGTGACAGCAA-3'
Protein context (NP_056153.2, residues 941-961): PGDLTAEEGL[Asp951Gly]PLDSLTSLWT